The following is an entry in ClinVar:

ClinVar aggregate classification (germline): Uncertain significance (1 of 4 stars; one submission).

Submission:

GeneDx
Classification: Uncertain significance. Last evaluated: 2024-11-22. Review status: criteria provided, single submitter. Criteria: GeneDx Variant Classification Process June 2021. Collection method: clinical testing. Allele origin: germline. Affected: yes.
Comment: Not observed at significant frequency in large population cohorts (gnomAD); In silico analysis indicates that this missense variant does not alter protein structure/function; Has not been previously published as pathogenic or benign to our knowledge

NM_000132.4(F8):c.868C>T (p.Leu290Phe)

Gene: F8 (coagulation factor VIII; minus strand). Cytogenetic location: Xq28.
Variant type: single nucleotide variant.
Coding change: c.868C>T on transcript NM_000132.4 (MANE Select); coding-DNA position 868, C replaced by T.
Protein change: p.Leu290Phe; replaces leucine 290 with phenylalanine.
Molecular consequence: missense variant.
Genome position (GRCh38, 1-based): chrX:154,969,472, G>A on the plus strand (C>T on the coding strand, the complement: F8 is on the minus strand). VCF-style: chrX-154969472-G-A. GRCh37 (hg19) VCF-style: chrX-154197747-G-A.
Other names: short protein forms L290F.
Identifiers: ClinVar variation 3900453 (VCV003900453.1).